The following is an entry in ClinVar:

NM_001278064.2(GRM1):c.26dup (p.Ala11fs)

Gene: GRM1 (glutamate metabotropic receptor 1; plus strand). Cytogenetic location: 6q24.3.
Variant type: Duplication.
Coding change: c.26dup on transcript NM_001278064.2 (MANE Select); coding-DNA position 26, one base duplicated (T; older notation c.26dupT).
Protein change: p.Ala11fs; shifts the reading frame from alanine 11.
Molecular consequence: frameshift variant.
Genome position (GRCh38, 1-based): chr6:146,029,543, T duplicated; the last of 8 consecutive T bases (chr6:146,029,536-146,029,543); duplicating any one gives the same sequence. VCF-style (leftmost placement, unchanged base first): chr6-146029535-G-GT. GRCh37 (hg19) VCF-style: chr6-146350671-G-GT.
Other names: c.26dup, p.Ala11fs (NM_001278065.2, NM_001278066.1, NM_001278067.1); c.26dup (NM_001278064.1); short protein forms A11fs.
Identifiers: ClinVar variation 818224 (VCV000818224.4), dbSNP rs758809498, ClinGen allele CA4036979.

ClinVar aggregate classification (germline): Pathogenic/Likely pathogenic. Review status: criteria provided, multiple submitters, no conflicts (2 of 4 stars). 2 submissions from 2 submitters: Pathogenic (1); Likely pathogenic (1). Last evaluated 2025-02-03.

Conditions:
Autosomal recessive spinocerebellar ataxia 13. Identifiers: Orphanet 324262, MedGen C3553816, MONDO:0013905, OMIM 614831.

Submissions (2):

GeneDx
Classification: Likely pathogenic. Last evaluated: 2025-02-03. Review status: criteria provided, single submitter. Criteria: GeneDx Variant Classification Process June 2021. Collection method: clinical testing. Allele origin: germline. Affected: yes.
Comment: Frameshift variant predicted to result in protein truncation or nonsense mediated decay in a gene for which loss of function is a known mechanism of disease; Not observed at significant frequency in large population cohorts (gnomAD); Has not been previously published as pathogenic or benign to our knowledge

Foundation for Research in Genetics and Endocrinology, FRIGE's Institute of Human Genetics
Classification: Pathogenic for Autosomal recessive spinocerebellar ataxia 13. Last evaluated: 2020-01-28. Review status: criteria provided, single submitter. Criteria: ACMG Guidelines, 2015. Collection method: clinical testing. Allele origin: germline. Inheritance: Autosomal recessive inheritance. Affected: yes. Observed: 1 homozygote.
Comment: A homozygous single base pair duplication in exon 2 of the GRM1 gene that results in the frameshift and premature truncation of the protein 78 amino acids downstream to codon 11 was detected. The observed variant c.26dup (p.Ala11SerfsTer78) has not been reported in the 1000 Genomes and has a minor allele frequency of 0.002% in the ExAC database. The in silico prediction of the variant is damaging by MutationTaster2. The reference region is conserved across primates. In summary, the variant meets our criteria to be classified as pathogenic.